The following is an entry in ClinVar:

ClinVar aggregate classification (germline): Uncertain significance (1 of 4 stars; one submission).

Submission:

Labcorp Genetics (formerly Invitae), Labcorp
Classification: Uncertain significance. Last evaluated: 2019-09-30. Review status: criteria provided, single submitter. Criteria: Invitae Variant Classification Sherloc (09022015). Collection method: clinical testing. Allele origin: germline.
Comment: In summary, the available evidence is currently insufficient to determine the role of this variant in disease. Therefore, it has been classified as a Variant of Uncertain Significance. Algorithms developed to predict the effect of missense changes on protein structure and function are either unavailable or do not agree on the potential impact of this missense change (SIFT: "Deleterious"; PolyPhen-2: "Benign"; Align-GVGD: "Class C0"). This variant has not been reported in the literature in individuals with CTNNA1-related conditions. This variant is not present in population databases (ExAC no frequency). This sequence change replaces threonine with isoleucine at codon 375 of the CTNNA1 protein (p.Thr375Ile). The threonine residue is highly conserved and there is a moderate physicochemical difference between threonine and isoleucine.

NM_001903.5(CTNNA1):c.1124C>T (p.Thr375Ile)

Gene: CTNNA1 (catenin alpha 1; plus strand). Cytogenetic location: 5q31.2.
Variant type: single nucleotide variant.
Coding change: c.1124C>T on transcript NM_001903.5 (MANE Select); coding-DNA position 1124, C replaced by T.
Protein change: p.Thr375Ile; replaces threonine 375 with isoleucine.
Molecular consequence: missense variant. On other transcripts: intron variant (2), 5 prime UTR variant (5).
Genome position (GRCh38, 1-based): chr5:138,886,273, C>T. VCF-style: chr5-138886273-C-T. GRCh37 (hg19) VCF-style: chr5-138221962-C-T.
Other names: c.-61+10676C>T (NM_001324010.1); c.1124C>T, p.Thr375Ile (NM_001290307.3, NM_001323982.2, NM_001323983.1 and 3 more transcripts); c.815C>T, p.Thr272Ile (NM_001290309.3); c.755C>T, p.Thr252Ile (NM_001290310.3); c.14C>T, p.Thr5Ile (NM_001290312.1, NM_001323987.1, NM_001323988.1 and 18 more transcripts); c.-384C>T (NM_001324006.1, NM_001324007.1, NM_001324008.1 and 1 more transcripts); c.-259C>T (NM_001324013.1); c.-58+10676C>T (NM_001324012.1); short protein forms T272I, T5I, T252I, T375I.
Identifiers: ClinVar variation 960330 (VCV000960330.9), dbSNP rs1754001022, ClinGen allele CA361132610.
Genomic context (GRCh38, chr5:138,886,273, plus strand): 5'-CTGGACGTAAAGAAAGAAGTGATGCACTCAATTCTGCAATAGATAAAATGACCAAGAAGA[C>T]CAGGGACTTGCGTAGACAGGTAATCTGGATGAAAGTGCTGATTGTTTTTCTAAGTTCTCA-3'
Protein context (NP_001894.2, residues 365-385): NSAIDKMTKK[Thr375Ile]RDLRRQLRKA